The following is an entry in ClinVar:

NM_004444.5(EPHB4):c.632_633del (p.Val211fs)

Gene: EPHB4 (EPH receptor B4; minus strand). Cytogenetic location: 7q22.1.
Variant type: Microsatellite.
Coding change: c.632_633del on transcript NM_004444.5 (MANE Select); coding-DNA positions 632 to 633, 2 bases deleted (TG; older notation c.632_633delTG).
Protein change: p.Val211fs; shifts the reading frame from valine 211.
Molecular consequence: frameshift variant.
Genome position (GRCh38, 1-based): chr7:100,822,446-100,822,447, CA deleted on the plus strand (TG on the coding strand, the reverse complement: EPHB4 is on the minus strand); deleting any 2 consecutive bases within chr7:100,822,446-100,822,449 gives the same sequence; the c. name uses the placement nearest the transcript's 3' end. VCF-style (leftmost placement, unchanged base first): chr7-100822445-GCA-G. GRCh37 (hg19) VCF-style: chr7-100420067-GCA-G.
Other names: short protein forms V211fs.
Identifiers: ClinVar variation 590872 (VCV000590872.2), dbSNP rs1562973541, ClinGen allele CA891862878.

ClinVar aggregate classification (germline): Pathogenic. Review status: criteria provided, single submitter (1 of 4 stars). 2 submissions from 2 submitters: Pathogenic (1). 1 of the submissions does not count toward it. Last evaluated 2025-04-04.

Conditions:
Capillary malformation-arteriovenous malformation 2 (CMAVM2). Identifiers: Orphanet 693912, MedGen C4748670, MONDO:0020785, OMIM 618196.

Submissions (2):

Labcorp Genetics (formerly Invitae), Labcorp
Classification: Pathogenic. Last evaluated: 2025-04-04. Review status: criteria provided, single submitter. Criteria: Invitae Variant Classification Sherloc (09022015). Collection method: clinical testing. Allele origin: germline.
Comment: This sequence change creates a premature translational stop signal (p.Val211Alafs*11) in the EPHB4 gene. It is expected to result in an absent or disrupted protein product. Loss-of-function variants in EPHB4 are known to be pathogenic (PMID: 28687708). This variant is not present in population databases (gnomAD no frequency). This premature translational stop signal has been observed in individual(s) with EPHB4-related conditions (PMID: 28687708). ClinVar contains an entry for this variant (Variation ID: 590872). For these reasons, this variant has been classified as Pathogenic.

OMIM
Classification: Pathogenic for CAPILLARY MALFORMATION-ARTERIOVENOUS MALFORMATION 2. Last evaluated: 2018-11-21. Review status: no assertion criteria provided. Collection method: literature only. Allele origin: germline. Not counted in ClinVar's aggregate classification.

Literature cited by the submitters: PubMed 28687708 (cited by Labcorp Genetics (formerly Invitae), Labcorp and OMIM).